The following is an entry in ClinVar:

NM_001127511.3(APC):c.73T>C (p.Trp25Arg)

Gene: APC (APC regulator of Wnt signaling pathway; plus strand). Cytogenetic location: 5q22.2.
Variant type: single nucleotide variant.
Coding change: c.73T>C on transcript NM_001127511.3; coding-DNA position 73, T replaced by C.
Protein change: p.Trp25Arg; replaces tryptophan 25 with arginine.
Molecular consequence: missense variant. On other transcripts: 5 prime UTR variant (8), non-coding transcript variant (1), intron variant (5).
Genome position (GRCh38, 1-based): chr5:112,707,790, T>C. VCF-style: chr5-112707790-T-C. GRCh37 (hg19) VCF-style: chr5-112043487-T-C.
Other names: c.-111T>C (NM_001354895.2, NM_001407447.1, NM_001407452.1 and 3 more transcripts); c.73T>C, p.Trp25Arg (NM_001354897.2, NM_001354902.2, NM_001407446.1); c.-1146T>C (NM_001407470.1, NM_001407472.1); c.-19+141T>C (NM_001407448.1, NM_001407450.1, NM_001407457.1 and 1 more transcripts); c.-43+141T>C (NM_001407453.1); short protein forms W25R.
Identifiers: ClinVar variation 2971260 (VCV002971260.3), dbSNP rs2149630868, ClinGen allele CA360611856.

ClinVar aggregate classification (germline): Uncertain significance (1 of 4 stars; one submission).

Conditions:
Familial adenomatous polyposis 1 (FAP1). Also called: FAMILIAL ADENOMATOUS POLYPOSIS 1, ATTENUATED; POLYPOSIS, ADENOMATOUS INTESTINAL. Identifiers: MedGen C2713442, MONDO:0021056, OMIM 175100. Disease mechanism: loss of function.

Submission:

Labcorp Genetics (formerly Invitae), Labcorp
Classification: Uncertain significance for Familial adenomatous polyposis 1. Last evaluated: 2025-10-15. Review status: criteria provided, single submitter. Criteria: Invitae Variant Classification Sherloc (09022015). Collection method: clinical testing. Allele origin: germline.
Comment: This variant occurs in a non-coding region of the APC gene. It does not change the encoded amino acid sequence of the APC protein. This variant is not present in population databases (gnomAD no frequency). This variant has not been reported in the literature in individuals affected with APC-related conditions. Experimental studies and prediction algorithms are not available or were not evaluated, and the functional significance of this variant is currently unknown. In summary, the available evidence is currently insufficient to determine the role of this variant in disease. Therefore, it has been classified as a Variant of Uncertain Significance.